The following is an entry in ClinVar:

ClinVar aggregate classification (germline): Benign. Review status: criteria provided, multiple submitters, no conflicts (2 of 4 stars). 2 submissions from 2 submitters: Benign (2). Last evaluated 2016-03-29.

Allele frequency attached by ClinVar (database versions not stated): ESP Exome Variant Server 0.70847; gnomAD exomes 0.72457 and 0.73379; gnomAD 0.72994 and 0.73102; TOPMed 0.73270; ExAC 0.73300; 1000 Genomes Project 0.77177; 1000 Genomes Project 30x 0.77389.
gnomAD v4.1: 1,130,627 of 1,559,550 alleles (72%); highest among the groups gnomAD compares: East Asian, 92%; 411,974 homozygotes.

Submissions (2):

Laboratory for Molecular Medicine, Mass General Brigham Personalized Medicine
Classification: Benign. Last evaluated: 2016-03-29. Review status: criteria provided, single submitter. Criteria: LMM Criteria. Collection method: clinical testing. Allele origin: germline.
Comment: Variant identified in a genome or exome case(s) and assessed due to predicted null impact of the variant or pathogenic assertions in the literature or databases. Disclaimer: This variant has not undergone full assessment. The following are preliminary notes: Frequency

Breakthrough Genomics
Classification: Benign. Review status: criteria provided, single submitter. Criteria: ACMG Guidelines, 2015. Collection method: not provided. Allele origin: germline. Inheritance: Unknown mechanism. Affected: yes.

NM_018897.3(DNAH7):c.398+9T>C

Gene: DNAH7 (dynein axonemal heavy chain 7; minus strand). Cytogenetic location: 2q32.3.
Variant type: single nucleotide variant.
Coding change: c.398+9T>C on transcript NM_018897.3 (MANE Select); 9 bases into the intron after coding-DNA position 398, T replaced by C.
Molecular consequence: intron variant.
Genome position (GRCh38, 1-based): chr2:196,047,343, A>G on the plus strand (T>C on the coding strand, the complement: DNAH7 is on the minus strand). VCF-style: chr2-196047343-A-G. GRCh37 (hg19) VCF-style: chr2-196912067-A-G.
Identifiers: ClinVar variation 402757 (VCV000402757.5), dbSNP rs4850381, ClinGen allele CA2037015.